The following is an entry in ClinVar:

NM_000263.4(NAGLU):c.446del (p.Arg149fs)

Gene: NAGLU (N-acetyl-alpha-glucosaminidase; plus strand). Cytogenetic location: 17q21.2.
Variant type: Deletion.
Coding change: c.446del on transcript NM_000263.4 (MANE Select); coding-DNA position 446, one base deleted (G; older notation c.446delG).
Protein change: p.Arg149fs; shifts the reading frame from arginine 149.
Molecular consequence: frameshift variant.
Genome position (GRCh38, 1-based): chr17:42,537,460, G deleted. VCF-style (leftmost placement, unchanged base first): chr17-42537459-CG-C. GRCh37 (hg19) VCF-style: chr17-40689477-CG-C.
Other names: short protein forms R149fs.
Identifiers: ClinVar variation 2123733 (VCV002123733.4), dbSNP rs2510652165, ClinGen allele CA2580093961.

ClinVar aggregate classification (germline): Pathogenic (1 of 4 stars; one submission).

Conditions:
Charcot-Marie-Tooth disease axonal type 2V. Also called: CHARCOT-MARIE-TOOTH NEUROPATHY, TYPE 2V; CHARCOT-MARIE-TOOTH DISEASE, AXONAL, AUTOSOMAL DOMINANT, TYPE 2V. Identifiers: Orphanet 447964, MedGen C5569050, MONDO:0014665, OMIM 616491.
Mucopolysaccharidosis, MPS-III-B (MPS3B). Also called: N-ACETYL-ALPHA-D-GLUCOSAMINIDASE DEFICIENCY; NAGLU DEFICIENCY; SANFILIPPO SYNDROME B; MPS III B; MUCOPOLYSACCHARIDOSIS, TYPE IIIB; MPS IIIB (Sanfilippo Syndrome Type B). Identifiers: Orphanet 79270, MedGen C0086648, MONDO:0009656, OMIM 252920.

Allele frequency attached by ClinVar (database versions not stated): gnomAD exomes below 0.00001.

Submission:

Labcorp Genetics (formerly Invitae), Labcorp
Classification: Pathogenic for Charcot-Marie-Tooth disease axonal type 2V; Mucopolysaccharidosis, MPS-III-B. Last evaluated: 2022-04-09. Review status: criteria provided, single submitter. Criteria: Invitae Variant Classification Sherloc (09022015). Collection method: clinical testing. Allele origin: germline.
Comment: This sequence change creates a premature translational stop signal (p.Arg149Profs*6) in the NAGLU gene. It is expected to result in an absent or disrupted protein product. Loss-of-function variants in NAGLU are known to be pathogenic (PMID: 9832037, 10094189, 16151907). This variant is not present in population databases (gnomAD no frequency). This variant has not been reported in the literature in individuals affected with NAGLU-related conditions. For these reasons, this variant has been classified as Pathogenic.

Literature cited by the submitters: PubMed 9832037; PubMed 10094189; PubMed 16151907.